The following is an entry in ClinVar:

NM_004360.5(CDH1):c.1018A>G (p.Thr340Ala)

Gene: CDH1 (cadherin 1; plus strand). Cytogenetic location: 16q22.1.
Variant type: single nucleotide variant.
Coding change: c.1018A>G on transcript NM_004360.5 (MANE Select); coding-DNA position 1018, A replaced by G.
Protein change: p.Thr340Ala; replaces threonine 340 with alanine.
Molecular consequence: missense variant. On other transcripts: 5 prime UTR variant (2).
Genome position (GRCh38, 1-based): chr16:68,812,144, A>G. VCF-style: chr16-68812144-A-G. GRCh37 (hg19) VCF-style: chr16-68846047-A-G.
Other names: p.T340A:ACG>GCG; NM_004360.4(CDH1):c.1018A>G; c.1018A>G, p.Thr340Ala (NM_001317184.2, LRG_301t1); c.-598A>G (NM_001317185.2); c.-802A>G (NM_001317186.2); short protein forms T340A.
Identifiers: ClinVar variation 12245 (VCV000012245.39), dbSNP rs116093741, ClinGen allele CA288016.
Genomic context (GRCh38, chr16:68,812,144, plus strand): 5'-AAGGTGGCTAGTGTTCCTGGTCCTGACTTGGTTGTGTCGATCTCTCTGCAGAGTTTCCCT[A>G]CGTATACCCTGGTGGTTCAAGCTGCTGACCTTCAAGGTGAGGGGTTAAGCACAACAGCAA-3'
Protein context (NP_004351.1, residues 330-350): TTGLDRESFP[Thr340Ala]YTLVVQAADL

ClinVar aggregate classification (germline): Benign. Review status: reviewed by expert panel (3 of 4 stars). 18 submissions from 18 submitters: Benign (1). 17 of the submissions do not count toward it. Last evaluated 2023-08-08.

Conditions:
CDH1-related diffuse gastric and lobular breast cancer syndrome. Also called: CDH1-related diffuse gastric and lobular breast cancer. Identifiers: MedGen CN311521, MONDO:0100488.
CDH1-related disorder. Also called: CDH1-related condition.
Gastric adenocarcinoma. Also called: Adenocarcinoma of stomach. Identifiers: MedGen C0278701, MONDO:0005036, HP:0033770.
Breast and/or ovarian cancer. Identifiers: MedGen CN221562.
Hereditary cancer-predisposing syndrome. Also called: Hereditary neoplastic syndrome; Tumor predisposition; Neoplastic Syndromes, Hereditary; Hereditary Cancer Syndrome. Identifiers: Orphanet 140162, MedGen C0027672, MeSH D009386, MONDO:0015356.
Hereditary diffuse gastric adenocarcinoma (HDGC). Also called: DIFFUSE GASTRIC AND LOBULAR BREAST CANCER SYNDROME. Identifiers: Orphanet 26106, MedGen C1708349, MONDO:0007648, OMIM 137215.

Allele frequency attached by ClinVar (database versions not stated): 1000 Genomes Project 30x 0.00016; 1000 Genomes Project 0.00020; gnomAD 0.00022; TOPMed 0.00033.

Submissions 1 to 17 of 18:

Clingen Gastric Cancer Variant Curation Expert Panel
Classification: Benign for CDH1-related diffuse gastric and lobular breast cancer syndrome. Last evaluated: 2023-08-08. Review status: reviewed by expert panel. Criteria: ClinGen CDH1 ACMG Specifications V3.1. Collection method: curation. Allele origin: germline. Inheritance: Autosomal dominant inheritance.
Comment: The c.1018A>G (p.Thr340Ala) variant has an allele frequency of 0.00360 (0.36%, 68/18,866 alleles) in the East Asian subpopulation of the gnomAD cohort (BA1). In summary, this variant meets criteria to be classified as benign. ACMG/AMP criteria applied, as specified by the CDH1 Variant Curation Expert Panel (Variant Interpretation Guidelines Version 3.1): BA1.

Labcorp Genetics (formerly Invitae), Labcorp
Classification: Likely benign for Hereditary diffuse gastric adenocarcinoma. Last evaluated: 2026-02-03. Review status: criteria provided, single submitter. Criteria: Invitae Variant Classification Sherloc (09022015). Collection method: clinical testing. Allele origin: germline. Not counted in ClinVar's aggregate classification.

ARUP Laboratories, Molecular Genetics and Genomics, ARUP Laboratories
Classification: Benign. Last evaluated: 2025-05-29. Review status: criteria provided, single submitter. Criteria: ARUP Molecular Germline Variant Investigation Process 2024. Collection method: clinical testing. Allele origin: germline. Not counted in ClinVar's aggregate classification.

Blueprint Genetics
Classification: Likely benign. Last evaluated: 2024-03-07. Review status: criteria provided, single submitter. Criteria: ACMG Guidelines, 2015. Collection method: clinical testing. Allele origin: germline. Not counted in ClinVar's aggregate classification.

European Reference Network on Genetic Tumour Risk Syndromes (ERN-GENTURIS), i3s - Instituto de Investigação e Inovação em Saúde, University of Porto
Classification: Benign for Hereditary diffuse gastric adenocarcinoma. Last evaluated: 2022-08-01. Review status: criteria provided, single submitter. Criteria: Lee et al. (Hum Mutat. 2018). Collection method: clinical testing. Allele origin: germline. Inheritance: Autosomal dominant inheritance. Affected: yes. Study: ERN GENTURIS. Not counted in ClinVar's aggregate classification.
Comment: BA1 (PMID: 30311375)

CHEO Genetics Diagnostic Laboratory, Children's Hospital of Eastern Ontario
Classification: Likely benign for Breast and/or ovarian cancer. Last evaluated: 2021-04-23. Review status: criteria provided, single submitter. Criteria: ACMG Guidelines, 2015. Collection method: clinical testing. Allele origin: germline. Not counted in ClinVar's aggregate classification.

Sema4
Classification: Benign for Hereditary cancer-predisposing syndrome. Last evaluated: 2021-02-13. Review status: criteria provided, single submitter. Criteria: Sema4 Curation Guidelines. Collection method: curation. Allele origin: germline. Not counted in ClinVar's aggregate classification.

GeneDx
Classification: Likely benign. Last evaluated: 2020-11-30. Review status: criteria provided, single submitter. Criteria: GeneDx Variant Classification Process June 2021. Collection method: clinical testing. Allele origin: germline. Affected: yes. Not counted in ClinVar's aggregate classification.
Comment: This variant is associated with the following publications: (PMID: 28389907, 22850631, 15457549, 25187893, 19268661, 12588804, 11968083, 10896919, 15235021, 21989054, 19725995, 12944922, 16501831, 25856671, 16600987, 25180051, 26072394, 27121310, 26822949, 25388006, 27582386, 28503720, 28522256, 29752822, 14500541, 28580595, 31350202, 32091409, 32426482, 32521533)

Ambry Genetics
Classification: Benign for Hereditary cancer-predisposing syndrome. Last evaluated: 2020-09-21. Review status: criteria provided, single submitter. Criteria: Ambry Variant Classification Scheme 2023. Collection method: clinical testing. Allele origin: germline. Not counted in ClinVar's aggregate classification.

Mendelics
Classification: Benign for Hereditary diffuse gastric adenocarcinoma. Last evaluated: 2019-05-28. Review status: criteria provided, single submitter. Criteria: Mendelics Assertion Criteria 2017. Collection method: clinical testing. Allele origin: unknown. Not counted in ClinVar's aggregate classification.

Quest Diagnostics Nichols Institute San Juan Capistrano
Classification: Benign. Last evaluated: 2019-03-26. Review status: criteria provided, single submitter. Criteria: Quest Diagnostics criteria. Collection method: clinical testing. Allele origin: germline. Not counted in ClinVar's aggregate classification.

Women's Health and Genetics/Laboratory Corporation of America, LabCorp
Classification: Benign. Last evaluated: 2019-02-25. Review status: criteria provided, single submitter. Criteria: LabCorp Variant Classification Summary - May 2015. Collection method: clinical testing. Allele origin: germline. Not counted in ClinVar's aggregate classification.
Comment: Variant summary: CDH1 c.1018A>G (p.Thr340Ala) results in a non-conservative amino acid change located in the Cadherin-like domain (IPR002126) of the encoded protein sequence. Four of five in-silico tools predict a benign effect of the variant on protein function. The variant allele was found at a frequency of 0.00024 in 277884 control chromosomes, predominantly at a frequency of 0.0036 within the East Asian subpopulation in the gnomAD database. The observed variant frequency within East Asian control individuals in the gnomAD database is approximately 127 fold of the estimated maximal expected allele frequency for a pathogenic variant in CDH1 causing Hereditary Diffuse Gastric Cancer phenotype (2.8e-05), strongly suggesting that the variant is a benign polymorphism found primarily in populations of East Asian origin. c.1018A>G has been reported in the literature in individuals affected with Hereditary Diffuse Gastric Cancer all of whom were of the same ethnic composition as seen in control databases . Therefore, these reports do not provide unequivocal evidence supporting a deleterious outcome. Co-occurrences with other pathogenic variant(s) have been reported in our internal testing experience (BRCA1 c.188T>A, p.Leu63X), providing supporting evidence for a benign role. At least one publication reports experimental evidence evaluating an impact on protein function, however, does not allow convincing conclusions about the variant effect. Five clinical diagnostic laboratories have submitted clinical-significance assessments for this variant to ClinVar after 2014 without evidence for independent evaluation with conflicting assessments ranging from likely benign (n=2) or VUS (n=3). Most recently, the Clingen CDH1 variant curation expert panel has classified this variant as benign based solely on its allele frequency in the East Asian population (ACMG, BA1). Based on the evidence outlined above, the variant was classified as benign.

Illumina Laboratory Services, Illumina
Classification: Likely benign for Hereditary diffuse gastric adenocarcinoma. Last evaluated: 2017-04-27. Review status: criteria provided, single submitter. Criteria: ICSL Variant Classification Criteria 13 December 2019. Collection method: clinical testing. Allele origin: germline. Not counted in ClinVar's aggregate classification.
Comment: This variant was observed as part of a predisposition screen in an ostensibly healthy population. A literature search was performed for the gene, cDNA change, and amino acid change (where applicable). Publications were found based on this search. The evidence from the literature, in combination with allele frequency data from public databases where available, was sufficient to determine this variant is unlikely to cause disease. Therefore, this variant is classified as likely benign.

Color Diagnostics, LLC DBA Color Health
Classification: Likely benign for Hereditary cancer-predisposing syndrome. Last evaluated: 2016-04-07. Review status: criteria provided, single submitter. Criteria: ACMG Guidelines, 2015. Collection method: clinical testing. Allele origin: germline. Not counted in ClinVar's aggregate classification.

PreventionGenetics, part of Exact Sciences
Classification: Likely benign for CDH1-related condition. Last evaluated: 2019-04-12. Review status: no assertion criteria provided. Collection method: clinical testing. Allele origin: germline. Not counted in ClinVar's aggregate classification.
Comment: This variant is classified as likely benign based on ACMG/AMP sequence variant interpretation guidelines (Richards et al. 2015 PMID: 25741868, with internal and published modifications).

3DMed Clinical Laboratory Inc
Classification: Uncertain significance for Adenocarcinoma of stomach. Last evaluated: 2017-11-29. Review status: no assertion criteria provided. Criteria: ACMG Guidelines, 2015. Collection method: clinical testing. Allele origin: germline. Affected: yes. Not counted in ClinVar's aggregate classification.

OMIM
Classification: Pathogenic for DIFFUSE GASTRIC AND LOBULAR BREAST CANCER SYNDROME. Last evaluated: 2003-03-01. Review status: no assertion criteria provided. Collection method: literature only. Allele origin: germline. Not counted in ClinVar's aggregate classification.